The following is an entry in ClinVar:

NM_000182.5(HADHA):c.1091_1128del

Genes: GAREM2 (GRB2 associated regulator of MAPK1 subtype 2; plus strand), HADHA (hydroxyacyl-CoA dehydrogenase trifunctional multienzyme complex subunit alpha; minus strand). Cytogenetic location: 2p23.3.
Variant type: Deletion.
Coding change: c.1091_1128del on transcript NM_000182.5 (MANE Select); coding-DNA positions 1091 to 1128, 38 bases deleted.
Genome position (GRCh38, 1-based): chr2:26,204,154-26,204,191, 38 bases deleted; deleting any 38 consecutive bases within chr2:26,204,154-26,204,200 gives the same sequence; the c. name uses the placement nearest the transcript's 3' end. GRCh37 (hg19): chr2:26,427,032-26,427,069.
Identifiers: ClinVar variation 3586242 (VCV003586242.3).

ClinVar aggregate classification (germline): Pathogenic/Likely pathogenic. Review status: criteria provided, multiple submitters, no conflicts (2 of 4 stars). 2 submissions from 2 submitters: Pathogenic (1); Likely pathogenic (1). Last evaluated 2024-08-31.

Conditions:
Long chain 3-hydroxyacyl-CoA dehydrogenase deficiency. Also called: Deficiency of long-chain 3-hydroxyacyl-coenzyme A dehydrogenase; LCHAD Deficiency. Identifiers: Orphanet 5, MedGen C3711645, MONDO:0012173, OMIM 609016.
Mitochondrial trifunctional protein deficiency. Identifiers: Orphanet 746, MedGen C1969443, MONDO:0012172.
Mitochondrial trifunctional protein deficiency 1 (MTPD1). Identifiers: MedGen CN376812, MONDO:0958181, OMIM 609015.

Submissions (2):

Labcorp Genetics (formerly Invitae), Labcorp
Classification: Pathogenic for Mitochondrial trifunctional protein deficiency; Long chain 3-hydroxyacyl-CoA dehydrogenase deficiency. Last evaluated: 2024-08-31. Review status: criteria provided, single submitter. Criteria: Invitae Variant Classification Sherloc (09022015). Collection method: clinical testing. Allele origin: germline.
Comment: This sequence change creates a premature translational stop signal (p.Leu364Argfs*7) in the HADHA gene. It is expected to result in an absent or disrupted protein product. Loss-of-function variants in HADHA are known to be pathogenic (PMID: 7738175, 21103935, 21549624, 22459206). This variant is not present in population databases (gnomAD no frequency). This variant has not been reported in the literature in individuals affected with HADHA-related conditions. For these reasons, this variant has been classified as Pathogenic.

Fulgent Genetics
Classification: Likely pathogenic for Mitochondrial trifunctional protein deficiency 1; Long chain 3-hydroxyacyl-CoA dehydrogenase deficiency. Last evaluated: 2024-03-24. Review status: criteria provided, single submitter. Criteria: ACMG Guidelines, 2015. Collection method: clinical testing. Allele origin: germline.

Literature cited by the submitters: PubMed 7738175 (cited by Labcorp Genetics (formerly Invitae), Labcorp); PubMed 21103935 (cited by Labcorp Genetics (formerly Invitae), Labcorp); PubMed 21549624 (cited by Labcorp Genetics (formerly Invitae), Labcorp); PubMed 22459206 (cited by Labcorp Genetics (formerly Invitae), Labcorp).